The following is an entry in ClinVar:

ClinVar aggregate classification (germline): Benign. Review status: criteria provided, multiple submitters, no conflicts (2 of 4 stars). 2 submissions from 2 submitters: Benign (2). Last evaluated 2018-06-19.

Allele frequency attached by ClinVar (database versions not stated): ESP Exome Variant Server 0.06762; 1000 Genomes Project 0.07308; 1000 Genomes Project 30x 0.07651; TOPMed 0.10172; gnomAD 0.10275 and 0.10801.
gnomAD v4.1: 133,480 of 1,612,248 alleles (8.3%); highest among the groups gnomAD compares: African/African-American, 18%; 6,600 homozygotes.

Submissions (2):

GeneDx
Classification: Benign. Last evaluated: 2018-06-19. Review status: criteria provided, single submitter. Criteria: GeneDx Variant Classification (06012015). Collection method: clinical testing. Allele origin: germline. Affected: yes.
Comment: This variant is considered likely benign or benign based on one or more of the following criteria: it is a conservative change, it occurs at a poorly conserved position in the protein, it is predicted to be benign by multiple in silico algorithms, and/or has population frequency not consistent with disease.

Breakthrough Genomics
Classification: Benign. Review status: criteria provided, single submitter. Criteria: ACMG Guidelines, 2015. Collection method: not provided. Allele origin: germline. Inheritance: Autosomal dominant inheritance. Affected: yes.

NM_144670.6(A2ML1):c.3934-30C>T

Gene: A2ML1 (alpha-2-macroglobulin like 1; plus strand). Cytogenetic location: 12p13.31.
Variant type: single nucleotide variant.
Coding change: c.3934-30C>T on transcript NM_144670.6 (MANE Select); 30 bases into the intron before coding-DNA position 3934, C replaced by T.
Molecular consequence: intron variant.
Genome position (GRCh38, 1-based): chr12:8,868,200, C>T. VCF-style: chr12-8868200-C-T. GRCh37 (hg19) VCF-style: chr12-9020796-C-T.
Other names: c.2461-30C>T (NM_001282424.3).
Identifiers: ClinVar variation 561613 (VCV000561613.2), dbSNP rs79655903, ClinGen allele CA6436527.
Genomic context (GRCh38, chr12:8,868,200, plus strand): 5'-TCTTTCTCACTTGTAAGAAAAGTAGTTTGAACTGTACAATCTTTAAAGTTCTTTCCAAGT[C>T]TGATTTGGCTACCTATTTCTTCCTACCAGACGGTGTTGAGATACAATATTCTCCCTCCCA-3'